The following is an entry in ClinVar:

NM_003590.5(CUL3):c.675del (p.Ala226fs)

Gene: CUL3 (cullin 3; minus strand). Cytogenetic location: 2q36.2.
Variant type: Deletion.
Coding change: c.675del on transcript NM_003590.5 (MANE Select); coding-DNA position 675, one base deleted (A; older notation c.675delA).
Protein change: p.Ala226fs; shifts the reading frame from alanine 226.
Molecular consequence: frameshift variant.
Genome position (GRCh38, 1-based): chr2:224,511,562, T deleted on the plus strand (A on the coding strand, the reverse complement: CUL3 is on the minus strand). VCF-style (leftmost placement, unchanged base first): chr2-224511561-CT-C. GRCh37 (hg19) VCF-style: chr2-225376278-CT-C.
Other names: c.477del, p.Ala160fs (NM_001257197.2); c.693del, p.Ala232fs (NM_001257198.2); short protein forms A160fs, A232fs, A226fs.
Identifiers: ClinVar variation 3660461 (VCV003660461.2).

ClinVar aggregate classification (germline): Pathogenic (1 of 4 stars; one submission).

Submission:

Labcorp Genetics (formerly Invitae), Labcorp
Classification: Pathogenic. Last evaluated: 2024-07-24. Review status: criteria provided, single submitter. Criteria: Invitae Variant Classification Sherloc (09022015). Collection method: clinical testing. Allele origin: germline.
Comment: This sequence change creates a premature translational stop signal (p.Ala226Glnfs*9) in the CUL3 gene. It is expected to result in an absent or disrupted protein product. Loss-of-function variants in CUL3 are known to be pathogenic (PMID: 32341456). This variant is not present in population databases (gnomAD no frequency). This variant has not been reported in the literature in individuals affected with CUL3-related conditions. For these reasons, this variant has been classified as Pathogenic.

Literature cited by the submitters: PubMed 32341456.